The following is an entry in ClinVar:

NM_032578.4(MYPN):c.2022A>T (p.Gln674His)

Gene: MYPN (myopalladin; plus strand). Cytogenetic location: 10q21.3.
Variant type: single nucleotide variant.
Coding change: c.2022A>T on transcript NM_032578.4 (MANE Select); coding-DNA position 2022, A replaced by T.
Protein change: p.Gln674His; replaces glutamine 674 with histidine.
Molecular consequence: missense variant. On other transcripts: non-coding transcript variant (2).
Genome position (GRCh38, 1-based): chr10:68,174,114, A>T. VCF-style: chr10-68174114-A-T. GRCh37 (hg19) VCF-style: chr10-69933871-A-T.
Other names: c.2022A>T, p.Gln674His (NM_001256267.2); c.1140A>T, p.Gln380His (NM_001256268.2); short protein forms Q674H, Q380H.
Identifiers: ClinVar variation 658516 (VCV000658516.8), dbSNP rs1589587222, ClinGen allele CA376843999.

ClinVar aggregate classification (germline): Uncertain significance (1 of 4 stars; one submission).

Conditions:
Dilated cardiomyopathy 1KK (CMD1KK). Identifiers: Orphanet 154, Orphanet 75249, MedGen C3714995, MONDO:0014100, OMIM 615248.

Submission:

Labcorp Genetics (formerly Invitae), Labcorp
Classification: Uncertain significance for Dilated cardiomyopathy 1KK. Last evaluated: 2022-03-03. Review status: criteria provided, single submitter. Criteria: Invitae Variant Classification Sherloc (09022015). Collection method: clinical testing. Allele origin: germline.
Comment: This sequence change replaces glutamine, which is neutral and polar, with histidine, which is basic and polar, at codon 674 of the MYPN protein (p.Gln674His). This variant is not present in population databases (gnomAD no frequency). This variant has not been reported in the literature in individuals affected with MYPN-related conditions. ClinVar contains an entry for this variant (Variation ID: 658516). Algorithms developed to predict the effect of missense changes on protein structure and function are either unavailable or do not agree on the potential impact of this missense change (SIFT: "Deleterious"; PolyPhen-2: "Probably Damaging"; Align-GVGD: "Class C0"). In summary, the available evidence is currently insufficient to determine the role of this variant in disease. Therefore, it has been classified as a Variant of Uncertain Significance.